The following is an entry in ClinVar:

ClinVar aggregate classification (germline): Uncertain significance. Review status: criteria provided, multiple submitters, no conflicts (2 of 4 stars). 3 submissions from 3 submitters: Uncertain significance (3). Last evaluated 2022-11-01.

Allele frequency attached by ClinVar (database versions not stated): gnomAD 0.00001; gnomAD exomes 0.00001; ExAC 0.00002; TOPMed 0.00003.
gnomAD v4.1: 14 of 1,613,726 alleles (0.00087%); highest among the groups gnomAD compares: South Asian, 0.0055%; no homozygotes.

Submissions (3):

Blueprint Genetics
Classification: Uncertain significance. Last evaluated: 2022-11-01. Review status: criteria provided, single submitter. Criteria: ACMG Guidelines, 2015. Collection method: clinical testing. Allele origin: germline.

GeneDx
Classification: Uncertain significance. Last evaluated: 2022-02-09. Review status: criteria provided, single submitter. Criteria: GeneDx Variant Classification Process June 2021. Collection method: clinical testing. Allele origin: germline. Affected: yes.
Comment: Not observed at significant frequency in large population cohorts (gnomAD); In silico analysis supports that this missense variant has a deleterious effect on protein structure/function; Has not been previously published as pathogenic or benign to our knowledge

Labcorp Genetics (formerly Invitae), Labcorp
Classification: Uncertain significance. Last evaluated: 2022-01-03. Review status: criteria provided, single submitter. Criteria: Invitae Variant Classification Sherloc (09022015). Collection method: clinical testing. Allele origin: germline.
Comment: This sequence change replaces arginine, which is basic and polar, with glutamine, which is neutral and polar, at codon 3943 of the ADGRV1 protein (p.Arg3943Gln). This variant is present in population databases (rs764043638, gnomAD 0.003%). This variant has not been reported in the literature in individuals affected with ADGRV1-related conditions. ClinVar contains an entry for this variant (Variation ID: 1021899). Algorithms developed to predict the effect of missense changes on protein structure and function are either unavailable or do not agree on the potential impact of this missense change (SIFT: "Deleterious"; PolyPhen-2: "Probably Damaging"; Align-GVGD: "Class C0"). In summary, the available evidence is currently insufficient to determine the role of this variant in disease. Therefore, it has been classified as a Variant of Uncertain Significance.

NM_032119.4(ADGRV1):c.11828G>A (p.Arg3943Gln)

Gene: ADGRV1 (adhesion G protein-coupled receptor V1; plus strand). Cytogenetic location: 5q14.3.
Variant type: single nucleotide variant.
Coding change: c.11828G>A on transcript NM_032119.4 (MANE Select); coding-DNA position 11828, G replaced by A.
Protein change: p.Arg3943Gln; replaces arginine 3943 with glutamine.
Molecular consequence: missense variant. On other transcripts: non-coding transcript variant (1).
Genome position (GRCh38, 1-based): chr5:90,757,049, G>A. VCF-style: chr5-90757049-G-A. GRCh37 (hg19) VCF-style: chr5-90052866-G-A.
Other names: short protein forms R3943Q.
Identifiers: ClinVar variation 1021899 (VCV001021899.7), dbSNP rs764043638, ClinGen allele CA3341062.